The following is an entry in ClinVar:

NM_001283009.2(RTEL1):c.2169A>C (p.Gln723His)

Genes: RTEL1 (regulator of telomere elongation helicase 1; plus strand), RTEL1-TNFRSF6B (RTEL1-TNFRSF6B readthrough (NMD candidate); plus strand). Cytogenetic location: 20q13.33.
Variant type: single nucleotide variant.
Coding change: c.2169A>C on transcript NM_001283009.2 (MANE Select); coding-DNA position 2169, A replaced by C.
Protein change: p.Gln723His; replaces glutamine 723 with histidine.
Molecular consequence: missense variant. On other transcripts: non-coding transcript variant (1).
Genome position (GRCh38, 1-based): chr20:63,690,114, A>C. VCF-style: chr20-63690114-A-C. GRCh37 (hg19) VCF-style: chr20-62321467-A-C.
Other names: c.1500A>C, p.Gln500His (NM_001283010.1); c.2169A>C, p.Gln723His (NM_016434.4); c.2241A>C, p.Gln747His (NM_032957.5); short protein forms Q500H, Q747H, Q723H.
Identifiers: ClinVar variation 2931092 (VCV002931092.3), dbSNP rs1224602711, ClinGen allele CA409679668.
Genomic context (GRCh38, chr20:63,690,114, plus strand): 5'-GGGCAGGGCAGCAGGGCTATGGCCACCCCCCAGGTTCGCCTTTGCCGACGCAAGAGCCCA[A>C]CTGCCCTCCTGGGTGCGTCCCCACGTCAGGGTGTATGACAACTTTGGCCATGTCATCCGA-3'
Protein context (NP_001269938.1, residues 713-733): HRFAFADARA[Gln723His]LPSWVRPHVR

ClinVar aggregate classification (germline): Uncertain significance (1 of 4 stars; one submission).

Conditions:
Dyskeratosis congenita, autosomal recessive 5 (DKCB5). Identifiers: MedGen C3554656, MONDO:0014076, OMIM 615190.
Pulmonary fibrosis and/or bone marrow failure, Telomere-related, 3. Also called: PULMONARY FIBROSIS AND/OR BONE MARROW FAILURE SYNDROME, TELOMERE-RELATED, 3. Identifiers: Orphanet 2032, MedGen C4225346, MONDO:0014613, OMIM 616373.

gnomAD v4.1: 1 of 1,612,212 alleles (0.000062%); highest among the groups gnomAD compares: Non-Finnish European, 0.000085%; no homozygotes.

Submission:

Labcorp Genetics (formerly Invitae), Labcorp
Classification: Uncertain significance for Dyskeratosis congenita, autosomal recessive 5; Pulmonary fibrosis and/or bone marrow failure, Telomere-related, 3. Last evaluated: 2023-11-12. Review status: criteria provided, single submitter. Criteria: Invitae Variant Classification Sherloc (09022015). Collection method: clinical testing. Allele origin: germline.
Comment: This sequence change replaces glutamine, which is neutral and polar, with histidine, which is basic and polar, at codon 723 of the RTEL1 protein (p.Gln723His). This variant is not present in population databases (gnomAD no frequency). This variant has not been reported in the literature in individuals affected with RTEL1-related conditions. An algorithm developed to predict the effect of missense changes on protein structure and function (PolyPhen-2) suggests that this variant is likely to be tolerated. In summary, the available evidence is currently insufficient to determine the role of this variant in disease. Therefore, it has been classified as a Variant of Uncertain Significance.